The following is an entry in ClinVar:

NM_000059.4(BRCA2):c.1843A>C (p.Asn615His)

Gene: BRCA2 (BRCA2 DNA repair associated; plus strand). Cytogenetic location: 13q13.1.
Variant type: single nucleotide variant.
Coding change: c.1843A>C on transcript NM_000059.4 (MANE Select); coding-DNA position 1843, A replaced by C.
Protein change: p.Asn615His; replaces asparagine 615 with histidine.
Molecular consequence: missense variant.
Genome position (GRCh38, 1-based): chr13:32,333,321, A>C. VCF-style: chr13-32333321-A-C. GRCh37 (hg19) VCF-style: chr13-32907458-A-C.
Other names: c.1843A>C, p.Asn615His (NM_001406719.1, NM_001406720.1, NM_001406721.1); short protein forms N615H.
Identifiers: ClinVar variation 1781193 (VCV001781193.7), dbSNP rs777641881, ClinGen allele CA6940545.

ClinVar aggregate classification (germline): Conflicting classifications of pathogenicity. Review status: criteria provided, conflicting classifications (1 of 4 stars). 3 submissions from 3 submitters: Uncertain significance (2); Likely benign (1). Last evaluated 2023-03-23.

Conditions:
Hereditary cancer-predisposing syndrome. Also called: Neoplastic Syndromes, Hereditary; Tumor predisposition; Hereditary Cancer Syndrome; Hereditary neoplastic syndrome. Identifiers: Orphanet 140162, MedGen C0027672, MeSH D009386, MONDO:0015356.
Hereditary breast ovarian cancer syndrome. Also called: Hereditary breast and ovarian cancer; Hereditary breast and ovarian cancer syndrome; Breast and ovarian cancer; Hereditary breast and/or ovarian cancer syndrome; BRCA1- and BRCA2-Associated Hereditary Breast and Ovarian Cancer; Hereditary breast and ovarian cancer syndrome (HBOC). Identifiers: Orphanet 145, MedGen C0677776, MeSH D061325, MONDO:0003582. Disease mechanism: loss of function.

Allele frequency attached by ClinVar (database versions not stated): ExAC 0.00001.

Submissions (3):

University of Washington Department of Laboratory Medicine, University of Washington
Classification: Likely benign for Hereditary cancer-predisposing syndrome. Last evaluated: 2023-03-23. Review status: criteria provided, single submitter. Criteria: Dines et al. (Genet Med. 2020). Collection method: curation. Allele origin: germline.
Comment: Missense variant in a coldspot region where missense variants are very unlikely to be pathogenic (PMID:31911673).

BRCA2 exon 10 coldspot. Reclassification based on statistical prior probability.

Labcorp Genetics (formerly Invitae), Labcorp
Classification: Uncertain significance for Hereditary breast ovarian cancer syndrome. Last evaluated: 2022-12-05. Review status: criteria provided, single submitter. Criteria: Invitae Variant Classification Sherloc (09022015). Collection method: clinical testing. Allele origin: germline.
Comment: In summary, the available evidence is currently insufficient to determine the role of this variant in disease. Therefore, it has been classified as a Variant of Uncertain Significance. Advanced modeling of protein sequence and biophysical properties (such as structural, functional, and spatial information, amino acid conservation, physicochemical variation, residue mobility, and thermodynamic stability) performed at Invitae indicates that this missense variant is not expected to disrupt BRCA2 protein function. ClinVar contains an entry for this variant (Variation ID: 1781193). This variant has not been reported in the literature in individuals affected with BRCA2-related conditions. This variant is present in population databases (rs777641881, gnomAD 0.0009%). This sequence change replaces asparagine, which is neutral and polar, with histidine, which is basic and polar, at codon 615 of the BRCA2 protein (p.Asn615His).

Ambry Genetics
Classification: Uncertain significance for Hereditary cancer-predisposing syndrome. Last evaluated: 2021-10-28. Review status: criteria provided, single submitter. Criteria: Ambry Variant Classification Scheme 2023. Collection method: clinical testing. Allele origin: germline.
Comment: The p.N615H variant (also known as c.1843A>C), located in coding exon 9 of the BRCA2 gene, results from an A to C substitution at nucleotide position 1843. The asparagine at codon 615 is replaced by histidine, an amino acid with similar properties. This amino acid position is not well conserved in available vertebrate species. In addition, this alteration is predicted to be tolerated by in silico analysis. Since supporting evidence is limited at this time, the clinical significance of this alteration remains unclear.